The following is an entry in ClinVar:

NM_004770.3(KCNB2):c.433A>C (p.Lys145Gln)

Gene: KCNB2 (potassium voltage-gated channel subfamily B member 2; plus strand). Cytogenetic location: 8q21.11.
Variant type: single nucleotide variant.
Coding change: c.433A>C on transcript NM_004770.3 (MANE Select); coding-DNA position 433, A replaced by C.
Protein change: p.Lys145Gln; replaces lysine 145 with glutamine.
Molecular consequence: missense variant.
Genome position (GRCh38, 1-based): chr8:72,568,167, A>C. VCF-style: chr8-72568167-A-C. GRCh37 (hg19) VCF-style: chr8-73480402-A-C.
Other names: short protein forms K145Q.
Identifiers: ClinVar variation 4535046 (VCV004535046.6).
Genomic context (GRCh38, chr8:72,568,167, plus strand): 5'-TACTGGGGGATTGATGAGATCTACTTGGAGTCCTGCTGCCAGGCCAGATATCATCAAAAA[A>C]AAGAACAAATGAACGAAGAACTGAGGCGAGAGGCAGAGACTATGCGAGAGCGAGAAGGAG-3'
Protein context (NP_004761.2, residues 135-155): SCCQARYHQK[Lys145Gln]EQMNEELRRE

ClinVar aggregate classification (germline): Uncertain significance (1 of 4 stars; one submission).

gnomAD v4.1: 3 of 1,614,174 alleles (0.00019%); highest among the groups gnomAD compares: Admixed American, 0.005%; no homozygotes.

Submission:

CeGaT Center for Human Genetics Tuebingen
Classification: Uncertain significance. Last evaluated: 2025-10-01. Review status: criteria provided, single submitter. Criteria: CeGaT Center For Human Genetics Tuebingen Variant Classification Criteria Version 2. Collection method: clinical testing. Allele origin: germline. Affected: yes. Observed: 1 variant allele.
Comment: KCNB2: PP3